The following is an entry in ClinVar:

NM_024741.3(ZNF408):c.1790A>C (p.His597Pro)

Gene: ZNF408 (zinc finger protein 408; plus strand). Cytogenetic location: 11p11.2.
Variant type: single nucleotide variant.
Coding change: c.1790A>C on transcript NM_024741.3 (MANE Select); coding-DNA position 1790, A replaced by C.
Protein change: p.His597Pro; replaces histidine 597 with proline.
Molecular consequence: missense variant.
Genome position (GRCh38, 1-based): chr11:46,705,490, A>C. VCF-style: chr11-46705490-A-C. GRCh37 (hg19) VCF-style: chr11-46727040-A-C.
Other names: c.1766A>C, p.His589Pro (NM_001184751.2); short protein forms H597P, H589P.
Identifiers: ClinVar variation 2781085 (VCV002781085.3), dbSNP rs2502796881, ClinGen allele CA380257528.

ClinVar aggregate classification (germline): Uncertain significance (1 of 4 stars; one submission).

Submission:

Labcorp Genetics (formerly Invitae), Labcorp
Classification: Uncertain significance. Last evaluated: 2023-03-08. Review status: criteria provided, single submitter. Criteria: Invitae Variant Classification Sherloc (09022015). Collection method: clinical testing. Allele origin: germline.
Comment: In summary, the available evidence is currently insufficient to determine the role of this variant in disease. Therefore, it has been classified as a Variant of Uncertain Significance. An algorithm developed to predict the effect of missense changes on protein structure and function (PolyPhen-2) suggests that this variant is likely to be disruptive. This variant has not been reported in the literature in individuals affected with ZNF408-related conditions. This variant is not present in population databases (gnomAD no frequency). This sequence change replaces histidine, which is basic and polar, with proline, which is neutral and non-polar, at codon 597 of the ZNF408 protein (p.His597Pro).